The following is an entry in ClinVar:

NM_024408.4(NOTCH2):c.6640G>T (p.Ala2214Ser)

Gene: NOTCH2 (notch receptor 2; minus strand). Cytogenetic location: 1p12.
Variant type: single nucleotide variant.
Coding change: c.6640G>T on transcript NM_024408.4 (MANE Select); coding-DNA position 6640, G replaced by T.
Protein change: p.Ala2214Ser; replaces alanine 2214 with serine.
Molecular consequence: missense variant.
Genome position (GRCh38, 1-based): chr1:119,916,082, C>A on the plus strand (G>T on the coding strand, the complement: NOTCH2 is on the minus strand). VCF-style: chr1-119916082-C-A. GRCh37 (hg19) VCF-style: chr1-120458705-C-A.
Other names: c.6640G>T (NM_024408.3); short protein forms A2214S.
Identifiers: ClinVar variation 1716585 (VCV001716585.7), dbSNP rs2101143493, ClinGen allele CA341876964.

ClinVar aggregate classification (germline): Uncertain significance. Review status: criteria provided, multiple submitters, no conflicts (2 of 4 stars). 2 submissions from 2 submitters: Uncertain significance (2). Last evaluated 2026-06-17.

Conditions:
Inborn genetic diseases. Identifiers: MedGen C0950123, MeSH D030342.
Hajdu-Cheney syndrome (HJCYS). Also called: ACROOSTEOLYSIS WITH OSTEOPOROSIS AND CHANGES IN SKULL AND MANDIBLE; SERPENTINE FIBULA-POLYCYSTIC KIDNEY SYNDROME; Acroosteolysis dominant type. Identifiers: Orphanet 955, MedGen C0917715, MONDO:0007057, OMIM 102500.

Submissions (2):

Ambry Genetics
Classification: Uncertain significance for Inborn genetic diseases. Last evaluated: 2026-06-17. Review status: criteria provided, single submitter. Criteria: Ambry Variant Classification Scheme 2023. Collection method: clinical testing. Allele origin: germline.

Labcorp Genetics (formerly Invitae), Labcorp
Classification: Uncertain significance for Hajdu-Cheney syndrome. Last evaluated: 2022-08-17. Review status: criteria provided, single submitter. Criteria: Invitae Variant Classification Sherloc (09022015). Collection method: clinical testing. Allele origin: germline.
Comment: This variant has not been reported in the literature in individuals affected with NOTCH2-related conditions. In summary, the available evidence is currently insufficient to determine the role of this variant in disease. Therefore, it has been classified as a Variant of Uncertain Significance. Advanced modeling of protein sequence and biophysical properties (such as structural, functional, and spatial information, amino acid conservation, physicochemical variation, residue mobility, and thermodynamic stability) performed at Invitae indicates that this missense variant is not expected to disrupt NOTCH2 protein function. This variant is not present in population databases (gnomAD no frequency). This sequence change replaces alanine, which is neutral and non-polar, with serine, which is neutral and polar, at codon 2214 of the NOTCH2 protein (p.Ala2214Ser).